The following is an entry in ClinVar:

ClinVar aggregate classification (germline): Uncertain significance. Review status: criteria provided, multiple submitters, no conflicts (2 of 4 stars). 4 submissions from 4 submitters: Uncertain significance (3). 1 of the submissions does not count toward it. Last evaluated 2025-02-03.

Conditions:
Hereditary breast ovarian cancer syndrome. Also called: Hereditary breast and ovarian cancer syndrome (HBOC); BRCA1- and BRCA2-Associated Hereditary Breast and Ovarian Cancer; Hereditary breast and/or ovarian cancer syndrome; Hereditary breast and ovarian cancer syndrome; Hereditary breast and ovarian cancer; Breast and ovarian cancer. Identifiers: Orphanet 145, MedGen C0677776, MeSH D061325, MONDO:0003582. Disease mechanism: loss of function.
Hereditary cancer-predisposing syndrome. Also called: Neoplastic Syndromes, Hereditary; Hereditary neoplastic syndrome; Tumor predisposition; Hereditary Cancer Syndrome. Identifiers: Orphanet 140162, MedGen C0027672, MeSH D009386, MONDO:0015356.
Breast-ovarian cancer, familial, susceptibility to, 1 (BROVCA1). Also called: BRCA1 Hereditary Breast and Ovarian Cancer; OVARIAN CANCER, SUSCEPTIBILITY TO. Identifiers: Orphanet 145, MedGen C2676676, MONDO:0011450, OMIM 604370. Disease mechanism: loss of function.
Malignant tumor of breast. Also called: Malignant breast neoplasm; Cancer breast. Identifiers: MedGen C0006142, MONDO:0007254. Disease mechanism: loss of function.

Submissions (4):

Ambry Genetics
Classification: Uncertain significance for Hereditary cancer-predisposing syndrome. Last evaluated: 2025-02-03. Review status: criteria provided, single submitter. Criteria: Ambry Variant Classification Scheme 2023. Collection method: clinical testing. Allele origin: germline.
Comment: The p.E1440Q variant (also known as c.4318G>C), located in coding exon 11 of the BRCA1 gene, results from a G to C substitution at nucleotide position 4318. The glutamic acid at codon 1440 is replaced by glutamine, an amino acid with highly similar properties. This amino acid position is not well conserved in available vertebrate species. In addition, the in silico prediction for this alteration is inconclusive. Based on the available evidence, the clinical significance of this variant remains unclear.

All of Us Research Program, National Institutes of Health
Classification: Uncertain significance for Breast-ovarian cancer, familial, susceptibility to, 1. Last evaluated: 2023-12-01. Review status: criteria provided, single submitter. Criteria: ACMG Guidelines, 2015. Collection method: clinical testing. Allele origin: germline. Inheritance: Autosomal dominant inheritance. Observed: 1 variant allele, 1 heterozygote.
Comment: This study involves interpretation of variants in research participants for the purpose of population health screening. Participant phenotype was not available at the time of variant classification. Additional details can be found in publication PMID: 35346344, PMCID: PMC8962531

Labcorp Genetics (formerly Invitae), Labcorp
Classification: Uncertain significance for Hereditary breast ovarian cancer syndrome. Last evaluated: 2023-03-31. Review status: criteria provided, single submitter. Criteria: Invitae Variant Classification Sherloc (09022015). Collection method: clinical testing. Allele origin: germline.
Comment: This variant is not present in population databases (gnomAD no frequency). In summary, the available evidence is currently insufficient to determine the role of this variant in disease. Therefore, it has been classified as a Variant of Uncertain Significance. Advanced modeling of protein sequence and biophysical properties (such as structural, functional, and spatial information, amino acid conservation, physicochemical variation, residue mobility, and thermodynamic stability) performed at Invitae indicates that this missense variant is not expected to disrupt BRCA1 protein function. ClinVar contains an entry for this variant (Variation ID: 433710). This variant has not been reported in the literature in individuals affected with BRCA1-related conditions. This sequence change replaces glutamic acid, which is acidic and polar, with glutamine, which is neutral and polar, at codon 1440 of the BRCA1 protein (p.Glu1440Gln).

Department of Pathology and Laboratory Medicine, Sinai Health System
Classification: Uncertain significance for Malignant tumor of breast. Review status: no assertion criteria provided. Collection method: clinical testing. Allele origin: unknown. Affected: yes. Study: The Canadian Open Genetics Repository (COGR). Not counted in ClinVar's aggregate classification.
Comment: The p.Glu1440Gln variant has not been previously reported in the literature. This residue is not conserved in mammals and computational analyses (PolyPhen2, SIFT, AlignGVGD) provide inconsistent predictions regarding the impact to the protein. The variant occurs outside of the splicing consensus sequence, but computational prediction software (SpliceSiteFinder, MaxEntScan, NNSPLICE, GeneSplicer, HumanSpliceFinder) predicts the possibility of new cryptic splicing sites. However, information from these softwares are not predictive enough to rule out pathogenicity and further empirical testing would be necessary to confirm this prediction. In summary, based on the above information, the clinical significance of this variant cannot be determined at this time. This variant is classified as a variant of unknown significance.

NM_007294.4(BRCA1):c.4318G>C (p.Glu1440Gln)

Gene: BRCA1 (BRCA1 DNA repair associated; minus strand). Cytogenetic location: 17q21.31.
Variant type: single nucleotide variant.
Coding change: c.4318G>C on transcript NM_007294.4 (MANE Select); coding-DNA position 4318, G replaced by C.
Protein change: p.Glu1440Gln; replaces glutamic acid 1440 with glutamine.
Molecular consequence: missense variant. On other transcripts: non-coding transcript variant (1).
Genome position (GRCh38, 1-based): chr17:43,082,443, C>G on the plus strand (G>C on the coding strand, the complement: BRCA1 is on the minus strand). VCF-style: chr17-43082443-C-G. GRCh37 (hg19) VCF-style: chr17-41234460-C-G.
Other names: c.4105G>C, p.Glu1369Gln (NM_001407571.1, NM_001407853.1, NM_001407894.1 and 12 more transcripts); c.4318G>C, p.Glu1440Gln (NM_001407581.1, NM_001407582.1, NM_001407583.1 and 23 more transcripts); c.4315G>C, p.Glu1439Gln (NM_001407587.1, NM_001407590.1, NM_001407591.1 and 21 more transcripts); c.4312G>C, p.Glu1438Gln (NM_001407627.1, NM_001407628.1, NM_001407629.1 and 5 more transcripts); c.4306G>C, p.Glu1436Gln (NM_001407646.1, NM_001407647.1); c.4195G>C, p.Glu1399Gln (NM_001407648.1, NM_001407664.1, NM_001407665.1 and 13 more transcripts); c.4192G>C, p.Glu1398Gln (NM_001407649.1, NM_001407670.1, NM_001407681.1 and 12 more transcripts); c.4237G>C, p.Glu1413Gln (NM_001407662.1, NM_001407663.1, NM_001407656.1 and 1 more transcripts); and 51 more; short protein forms E1440Q, E1393Q, E337Q, E1313Q, E1327Q, E1352Q, E1372Q, E1391Q.
Identifiers: ClinVar variation 433710 (VCV000433710.8), dbSNP rs1555584070, ClinGen allele CA10593086.
Genomic context (GRCh38, chr17:43,082,443, plus strand): 5'-TGTTTGGCCAACAATACACACCTTTTTCTGATGTGCTTTGTTCTGGATTTCGCAGGTCCT[C>G]AAGGGCAGAAGAGTCACTTATGATGGAAGGGTAGCTGTTAGAAGGCTGGCTCCCATGCTG-3'
Protein context (NP_009225.1, residues 1430-1450): PSIISDSSAL[Glu1440Gln]DLRNPEQSTS